The following is an entry in ClinVar:

ClinVar aggregate classification (germline): Uncertain significance (1 of 4 stars; one submission).

Submission:

GeneDx
Classification: Uncertain significance. Last evaluated: 2023-12-14. Review status: criteria provided, single submitter. Criteria: GeneDx Variant Classification Process June 2021. Collection method: clinical testing. Allele origin: germline. Affected: yes.
Comment: Not observed at significant frequency in large population cohorts (gnomAD); In silico analysis supports that this missense variant has a deleterious effect on protein structure/function; Has not been previously published as pathogenic or benign to our knowledge

NM_001365276.2(TNXB):c.10462G>T (p.Gly3488Trp)

Gene: TNXB (tenascin XB; minus strand). Cytogenetic location: 6p21.33.
Variant type: single nucleotide variant.
Coding change: c.10462G>T on transcript NM_001365276.2 (MANE Select); coding-DNA position 10462, G replaced by T.
Protein change: p.Gly3488Trp; replaces glycine 3488 with tryptophan.
Molecular consequence: missense variant.
Genome position (GRCh38, 1-based): chr6:32,046,319, C>A on the plus strand (G>T on the coding strand, the complement: TNXB is on the minus strand). VCF-style: chr6-32046319-C-A. GRCh37 (hg19) VCF-style: chr6-32014096-C-A.
Other names: c.10456G>T, p.Gly3486Trp (NM_019105.8); short protein forms G3486W, G3488W.
Identifiers: ClinVar variation 3253203 (VCV003253203.1), dbSNP rs778340683.
Genomic context (GRCh38, chr6:32,046,319, plus strand): 5'-CCAGGTCCTCTACGGTGACTGTGCGCTGGTCTGCGGCCACAGGCACTGCCCTGGGCTGCC[C>A]GTCCGTGTCCCTGTACTGGACCACGAAGGAGTCAAAGGGGCCCTGGGCTACCGTCCAGGA-3'
Protein context (NP_001352205.1, residues 3478-3498): SFVVQYRDTD[Gly3488Trp]QPRAVPVAAD